The following is an entry in ClinVar:

NM_017672.6(TRPM7):c.5268C>T (p.Tyr1756=)

Gene: TRPM7 (transient receptor potential cation channel subfamily M member 7; minus strand). Cytogenetic location: 15q21.2.
Variant type: single nucleotide variant.
Coding change: c.5268C>T on transcript NM_017672.6 (MANE Select); coding-DNA position 5268, C replaced by T.
Protein change: p.Tyr1756=; no amino-acid change (tyrosine 1756 retained).
Molecular consequence: synonymous variant. On other transcripts: non-coding transcript variant (3).
Genome position (GRCh38, 1-based): chr15:50,574,314, G>A on the plus strand (C>T on the coding strand, the complement: TRPM7 is on the minus strand). VCF-style: chr15-50574314-G-A. GRCh37 (hg19) VCF-style: chr15-50866511-G-A.
Other names: c.5265C>T, p.Tyr1755= (NM_001301212.2).
Identifiers: ClinVar variation 3038023 (VCV003038023.2), dbSNP rs114933907, ClinGen allele CA7556673.

ClinVar aggregate classification (germline): Benign (0 of 4 stars; one submission).

Conditions:
TRPM7-related disorder. Also called: TRPM7-related condition.

Allele frequency attached by ClinVar (database versions not stated): ExAC 0.00056; gnomAD 0.00168; TOPMed 0.00198; ESP Exome Variant Server 0.00229; 1000 Genomes Project 30x 0.00234; 1000 Genomes Project 0.00280.
gnomAD v4.1: 557 of 1,613,770 alleles (0.035%); highest among the groups gnomAD compares: African/African-American, 0.61%; 2 homozygotes.

Submission:

PreventionGenetics, part of Exact Sciences
Classification: Benign for TRPM7-related condition. Last evaluated: 2019-12-05. Review status: no assertion criteria provided. Collection method: clinical testing. Allele origin: germline.
Comment: This variant is classified as benign based on ACMG/AMP sequence variant interpretation guidelines (Richards et al. 2015 PMID: 25741868, with internal and published modifications).